The following is an entry in ClinVar:

ClinVar aggregate classification (germline): Uncertain significance (1 of 4 stars; one submission).

Submission:

Ambry Genetics
Classification: Uncertain significance. Last evaluated: 2024-02-04. Review status: criteria provided, single submitter. Criteria: Ambry Variant Classification Scheme 2023. Collection method: clinical testing. Allele origin: germline.
Comment: The p.D847G variant (also known as c.2540A>G), located in coding exon 16 of the POLQ gene, results from an A to G substitution at nucleotide position 2540. The aspartic acid at codon 847 is replaced by glycine, an amino acid with similar properties. This amino acid position is conserved. In addition, the in silico prediction for this alteration is inconclusive. Since supporting evidence is limited at this time, the clinical significance of this alteration remains unclear.

NM_199420.4(POLQ):c.2540A>G (p.Asp847Gly)

Gene: POLQ (DNA polymerase theta; minus strand). Cytogenetic location: 3q13.33.
Variant type: single nucleotide variant.
Coding change: c.2540A>G on transcript NM_199420.4 (MANE Select); coding-DNA position 2540, A replaced by G.
Protein change: p.Asp847Gly; replaces aspartic acid 847 with glycine.
Molecular consequence: missense variant.
Genome position (GRCh38, 1-based): chr3:121,490,391, T>C on the plus strand (A>G on the coding strand, the complement: POLQ is on the minus strand). VCF-style: chr3-121490391-T-C. GRCh37 (hg19) VCF-style: chr3-121209238-T-C.
Other names: short protein forms D847G.
Identifiers: ClinVar variation 1792813 (VCV001792813.2), dbSNP rs2546788558, ClinGen allele CA354105969.